The following is an entry in ClinVar:

ClinVar aggregate classification (germline): Likely benign (1 of 4 stars; one submission).

Conditions:
Mitochondrial complex IV deficiency, nuclear type 1 (MC4DN1). Also called: COX DEFICIENCY; Mitochondrial complex IV deficiency; Complex 4 mitochondrial respiratory chain deficiency; Deficiency of mitochondrial respiratory chain complex4; Complex IV deficiency. Identifiers: MedGen C5435656, MONDO:0700250, OMIM 220110. Disease mechanism: loss of function.

Allele frequency attached by ClinVar (database versions not stated): gnomAD 0.00865 and 0.00937; TOPMed 0.00982; 1000 Genomes Project 0.01058; 1000 Genomes Project 30x 0.01109.
gnomAD v4.1: 1,299 of 152,300 alleles (0.85%); highest among the groups gnomAD compares: African/African-American, 2.9%; 15 homozygotes.

Submission:

Illumina Laboratory Services, Illumina
Classification: Likely benign for Mitochondrial complex IV deficiency, nuclear type 1. Last evaluated: 2017-04-27. Review status: criteria provided, single submitter. Criteria: ICSL Variant Classification Criteria 13 December 2019. Collection method: clinical testing. Allele origin: germline.
Comment: This variant was observed as part of a predisposition screen in an ostensibly healthy population. A literature search was performed for the gene, cDNA change, and amino acid change (where applicable). No publications were found based on this search. Allele frequency data from public databases allowed determination this variant is unlikely to cause disease. Therefore, this variant is classified as likely benign.

NM_001136193.2(FASTKD2):c.*4266G>A

Gene: FASTKD2 (FAST kinase domains 2; plus strand). Cytogenetic location: 2q33.3.
Variant type: single nucleotide variant.
Coding change: c.*4266G>A on transcript NM_001136193.2 (MANE Select); 4266 bases downstream of the stop codon, G replaced by A.
Molecular consequence: 3 prime UTR variant.
Genome position (GRCh38, 1-based): chr2:206,796,068, G>A. VCF-style: chr2-206796068-G-A. GRCh37 (hg19) VCF-style: chr2-207660792-G-A.
Other names: c.*4266G>A (NM_001136194.2, NM_014929.4).
Identifiers: ClinVar variation 895274 (VCV000895274.4), dbSNP rs80251300, ClinGen allele CA63735749.
Genomic context (GRCh38, chr2:206,796,068, plus strand): 5'-CATTCATCTTGTAAGCAGGAGGCTTCTGTGCATGGCCAGAAACTAACAAAAGCACATTGT[G>A]TCTAAACTAGGTTGCAGTGGTTTCTGTTATCAGCAAGTAAATCCTGATTGATAAAGATAC-3'